The following is an entry in ClinVar:

ClinVar aggregate classification (germline): Uncertain significance (1 of 4 stars; one submission).

gnomAD v4.1: 6 of 1,614,100 alleles (0.00037%); highest among the groups gnomAD compares: Non-Finnish European, 0.00051%; no homozygotes.

Submission:

Ambry Genetics
Classification: Uncertain significance. Last evaluated: 2024-04-20. Review status: criteria provided, single submitter. Criteria: Ambry Variant Classification Scheme 2023. Collection method: clinical testing. Allele origin: germline.
Comment: The p.V1220I variant (also known as c.3658G>A), located in coding exon 17 of the NPAT gene, results from a G to A substitution at nucleotide position 3658. The valine at codon 1220 is replaced by isoleucine, an amino acid with highly similar properties. This amino acid position is conserved. In addition, this alteration is predicted to be tolerated by in silico analysis. Based on the available evidence, the clinical significance of this variant remains unclear.

NM_002519.3(NPAT):c.3658G>A (p.Val1220Ile)

Gene: NPAT (nuclear protein, coactivator of histone transcription; minus strand). Cytogenetic location: 11q22.3.
Variant type: single nucleotide variant.
Coding change: c.3658G>A on transcript NM_002519.3 (MANE Select); coding-DNA position 3658, G replaced by A.
Protein change: p.Val1220Ile; replaces valine 1220 with isoleucine.
Molecular consequence: missense variant.
Genome position (GRCh38, 1-based): chr11:108,161,428, C>T on the plus strand (G>A on the coding strand, the complement: NPAT is on the minus strand). VCF-style: chr11-108161428-C-T. GRCh37 (hg19) VCF-style: chr11-108032155-C-T.
Other names: c.3679G>A, p.Val1227Ile (NM_001321307.1); short protein forms V1220I, V1227I.
Identifiers: ClinVar variation 3300633 (VCV003300633.1).